The following is an entry in ClinVar:

ClinVar aggregate classification (germline): Uncertain significance (1 of 4 stars; one submission).

Allele frequency attached by ClinVar (database versions not stated): gnomAD exomes below 0.00001.
gnomAD v4.1: 1 of 1,614,084 alleles (0.000062%); highest among the groups gnomAD compares: Non-Finnish European, 0.000085%; no homozygotes.

Submission:

GeneDx
Classification: Uncertain significance. Last evaluated: 2017-07-27. Review status: criteria provided, single submitter. Criteria: GeneDx Variant Classification (06012015). Collection method: clinical testing. Allele origin: germline. Affected: yes.
Comment: The H355Y variant in the DNMT3A gene has not been reported previously as a pathogenic variant, nor as a benign variant, to our knowledge. This variant is not observed in large population cohorts (Lek et al., 2016; 1000 Genomes Consortium et al., 2015; Exome Variant Server). The H355Y variant is a non-conservative amino acid substitution, which is likely to impact secondary protein structure as these residues differ in polarity, charge, size and/or other properties. In addition, this substitution occurs at a position that is conserved across species. However. in silico analysis is inconsistent in its predictions as to whether or not the variant is damaging to the protein structure/function. We interpret H355Y as a variant of uncertain significance.

NM_022552.5(DNMT3A):c.1063C>T (p.His355Tyr)

Gene: DNMT3A (DNA methyltransferase 3 alpha; minus strand). Cytogenetic location: 2p23.3.
Variant type: single nucleotide variant.
Coding change: c.1063C>T on transcript NM_022552.5 (MANE Select); coding-DNA position 1063, C replaced by T.
Protein change: p.His355Tyr; replaces histidine 355 with tyrosine.
Molecular consequence: missense variant. On other transcripts: non-coding transcript variant (1).
Genome position (GRCh38, 1-based): chr2:25,247,110, G>A on the plus strand (C>T on the coding strand, the complement: DNMT3A is on the minus strand). VCF-style: chr2-25247110-G-A. GRCh37 (hg19) VCF-style: chr2-25469979-G-A.
Other names: c.1063C>T, p.His355Tyr (NM_175629.2); c.607C>T, p.His203Tyr (NM_001320893.1); c.394C>T, p.His132Tyr (NM_001375819.1); c.496C>T, p.His166Tyr (NM_153759.3); short protein forms H166Y, H355Y, H203Y, H132Y.
Identifiers: ClinVar variation 450664 (VCV000450664.2), dbSNP rs1553413753, ClinGen allele CA346074057.